The following is an entry in ClinVar:

NM_173494.2(DNAAF6):c.166T>C (p.Ser56Pro)

Gene: DNAAF6 (dynein axonemal assembly factor 6; plus strand). Cytogenetic location: Xq22.3.
Variant type: single nucleotide variant.
Coding change: c.166T>C on transcript NM_173494.2 (MANE Select); coding-DNA position 166, T replaced by C.
Protein change: p.Ser56Pro; replaces serine 56 with proline.
Molecular consequence: missense variant.
Genome position (GRCh38, 1-based): chrX:107,216,683, T>C. VCF-style: chrX-107216683-T-C. GRCh37 (hg19) VCF-style: chrX-106459913-T-C.
Other names: c.166T>C, p.Ser56Pro (NM_001169154.2); short protein forms S56P.
Identifiers: ClinVar variation 1683171 (VCV001683171.8), dbSNP rs376074387, ClinGen allele CA10484622.

ClinVar aggregate classification (germline): Uncertain significance (1 of 4 stars; one submission).

Allele frequency attached by ClinVar (database versions not stated): ExAC 0.00001; gnomAD exomes 0.00001; TOPMed 0.00003; gnomAD 0.00005; ESP Exome Variant Server 0.00009.

Submission:

Labcorp Genetics (formerly Invitae), Labcorp
Classification: Uncertain significance. Last evaluated: 2021-04-04. Review status: criteria provided, single submitter. Criteria: Invitae Variant Classification Sherloc (09022015). Collection method: clinical testing. Allele origin: germline.
Comment: This sequence change replaces serine with proline at codon 56 of the PIH1D3 protein (p.Ser56Pro). The serine residue is highly conserved and there is a moderate physicochemical difference between serine and proline. This variant is present in population databases (rs376074387, ExAC 0.01%). This variant has not been reported in the literature in individuals with PIH1D3-related conditions. Algorithms developed to predict the effect of missense changes on protein structure and function (SIFT, PolyPhen-2, Align-GVGD) all suggest that this variant is likely to be tolerated, but these predictions have not been confirmed by published functional studies and their clinical significance is uncertain. In summary, the available evidence is currently insufficient to determine the role of this variant in disease. Therefore, it has been classified as a Variant of Uncertain Significance.